The following is an entry in ClinVar:

NM_001040142.2(SCN2A):c.1177-3C>G

Gene: SCN2A (sodium voltage-gated channel alpha subunit 2; plus strand). Cytogenetic location: 2q24.3.
Variant type: single nucleotide variant.
Coding change: c.1177-3C>G on transcript NM_001040142.2 (MANE Select); 3 bases into the intron before coding-DNA position 1177, C replaced by G.
Molecular consequence: intron variant.
Genome position (GRCh38, 1-based): chr2:165,313,899, C>G. VCF-style: chr2-165313899-C-G. GRCh37 (hg19) VCF-style: chr2-166170409-C-G.
Other names: c.1177-3C>G (NM_001040143.2, NM_001371246.1, NM_001371247.1 and 1 more transcripts).
Identifiers: ClinVar variation 2948095 (VCV002948095.3), dbSNP rs2467902369, ClinGen allele CA2740095807.

ClinVar aggregate classification (germline): Uncertain significance (1 of 4 stars; one submission).

Conditions:
Seizures, benign familial infantile, 3 (BFIS3). Also called: CONVULSIONS, BENIGN FAMILIAL INFANTILE, 3; Familial neonatal seizures. Identifiers: Orphanet 140927, Orphanet 306, MedGen C1843140, MONDO:0011904, OMIM 607745.
Developmental and epileptic encephalopathy, 11 (DEE11). Also called: Early infantile epileptic encephalopathy 11. Identifiers: Orphanet 1934, MedGen C3150987, MONDO:0013388, OMIM 613721.

Submission:

Labcorp Genetics (formerly Invitae), Labcorp
Classification: Uncertain significance for Seizures, benign familial infantile, 3; Developmental and epileptic encephalopathy, 11. Last evaluated: 2023-05-22. Review status: criteria provided, single submitter. Criteria: Invitae Variant Classification Sherloc (09022015). Collection method: clinical testing. Allele origin: germline.
Comment: In summary, the available evidence is currently insufficient to determine the role of this variant in disease. Therefore, it has been classified as a Variant of Uncertain Significance. Variants that disrupt the consensus splice site are a relatively common cause of aberrant splicing (PMID: 17576681, 9536098). Algorithms developed to predict the effect of sequence changes on RNA splicing suggest that this variant may disrupt the consensus splice site. This variant has not been reported in the literature in individuals affected with SCN2A-related conditions. This variant is not present in population databases (gnomAD no frequency). This sequence change falls in intron 9 of the SCN2A gene. It does not directly change the encoded amino acid sequence of the SCN2A protein. It affects a nucleotide within the consensus splice site.

Literature cited by the submitters: PubMed 17576681; PubMed 9536098.